The following is an entry in ClinVar:

NM_003743.5(NCOA1):c.3617G>A (p.Ser1206Asn)

Gene: NCOA1 (nuclear receptor coactivator 1; plus strand). Cytogenetic location: 2p23.3.
Variant type: single nucleotide variant.
Coding change: c.3617G>A on transcript NM_003743.5 (MANE Select); coding-DNA position 3617, G replaced by A.
Protein change: p.Ser1206Asn; replaces serine 1206 with asparagine.
Molecular consequence: missense variant.
Genome position (GRCh38, 1-based): chr2:24,742,097, G>A. VCF-style: chr2-24742097-G-A. GRCh37 (hg19) VCF-style: chr2-24964966-G-A.
Other names: c.3617G>A, p.Ser1206Asn (NM_001362950.1, NM_001362952.1, NM_001362954.1 and 3 more transcripts); short protein forms S1206N.
Identifiers: ClinVar variation 4979168 (VCV004979168.1).

ClinVar aggregate classification (germline): Uncertain significance (1 of 4 stars; one submission).

Conditions:
NCOA1-related disorder. Also called: NCOA1-related condition.

gnomAD v4.1: 7 of 1,614,108 alleles (0.00043%); highest among the groups gnomAD compares: Admixed American, 0.0017%; no homozygotes.

Submission:

PreventionGenetics, part of Exact Sciences
Classification: Uncertain significance for NCOA1-related condition. Last evaluated: 2025-06-19. Review status: criteria provided, single submitter. Criteria: ACMG Guidelines, 2015. Collection method: clinical testing. Allele origin: germline.
Comment: The NCOA1 c.3617G>A variant is predicted to result in the amino acid substitution p.Ser1206Asn. To our knowledge, this variant has not been reported in the literature or in a large population database (gnomAD), indicating this variant is rare. At this time, the clinical significance of this variant is uncertain due to the absence of conclusive functional and genetic evidence.